The following is an entry in ClinVar:

ClinVar aggregate classification (germline): Uncertain significance. Review status: criteria provided, multiple submitters, no conflicts (2 of 4 stars). 2 submissions from 2 submitters: Uncertain significance (2). Last evaluated 2025-05-20.

Conditions:
Hereditary cancer-predisposing syndrome. Also called: Neoplastic Syndromes, Hereditary; Tumor predisposition; Hereditary Cancer Syndrome; Hereditary neoplastic syndrome. Identifiers: Orphanet 140162, MedGen C0027672, MeSH D009386, MONDO:0015356.
Familial adenomatous polyposis 1 (FAP1). Also called: FAMILIAL ADENOMATOUS POLYPOSIS 1, ATTENUATED; POLYPOSIS, ADENOMATOUS INTESTINAL. Identifiers: MedGen C2713442, MONDO:0021056, OMIM 175100. Disease mechanism: loss of function.

Allele frequency attached by ClinVar (database versions not stated): gnomAD exomes below 0.00001; ExAC 0.00001.

Submissions (2):

Labcorp Genetics (formerly Invitae), Labcorp
Classification: Uncertain significance for Familial adenomatous polyposis 1. Last evaluated: 2025-05-20. Review status: criteria provided, single submitter. Criteria: Invitae Variant Classification Sherloc (09022015). Collection method: clinical testing. Allele origin: germline.
Comment: This sequence change replaces isoleucine, which is neutral and non-polar, with valine, which is neutral and non-polar, at codon 2694 of the APC protein (p.Ile2694Val). This variant is present in population databases (rs779733163, gnomAD 0.0009%). This variant has not been reported in the literature in individuals affected with APC-related conditions. ClinVar contains an entry for this variant (Variation ID: 1761914). Invitae Evidence Modeling of protein sequence and biophysical properties (such as structural, functional, and spatial information, amino acid conservation, physicochemical variation, residue mobility, and thermodynamic stability) indicates that this missense variant is not expected to disrupt APC protein function with a negative predictive value of 95%. In summary, the available evidence is currently insufficient to determine the role of this variant in disease. Therefore, it has been classified as a Variant of Uncertain Significance.

Ambry Genetics
Classification: Uncertain significance for Hereditary cancer-predisposing syndrome. Last evaluated: 2022-05-12. Review status: criteria provided, single submitter. Criteria: Ambry Variant Classification Scheme 2023. Collection method: clinical testing. Allele origin: germline.
Comment: The p.I2694V variant (also known as c.8080A>G), located in coding exon 15 of the APC gene, results from an A to G substitution at nucleotide position 8080. The isoleucine at codon 2694 is replaced by valine, an amino acid with highly similar properties. This amino acid position is conserved. In addition, in silico predictors for this gene do not accurately predict pathogenicity. Since supporting evidence is limited at this time, the clinical significance of this alteration remains unclear.

NM_000038.6(APC):c.8080A>G (p.Ile2694Val)

Gene: APC (APC regulator of Wnt signaling pathway; plus strand). Cytogenetic location: 5q22.2.
Variant type: single nucleotide variant.
Coding change: c.8080A>G on transcript NM_000038.6 (MANE Select); coding-DNA position 8080, A replaced by G.
Protein change: p.Ile2694Val; replaces isoleucine 2694 with valine.
Molecular consequence: missense variant.
Genome position (GRCh38, 1-based): chr5:112,843,674, A>G. VCF-style: chr5-112843674-A-G. GRCh37 (hg19) VCF-style: chr5-112179371-A-G.
Other names: c.8080A>G, p.Ile2694Val (NM_001127510.3, NM_001354895.2, NM_001407450.1); c.8026A>G, p.Ile2676Val (NM_001127511.3); c.8134A>G, p.Ile2712Val (NM_001354896.2, NM_001407447.1, NM_001407448.1 and 1 more transcripts); c.8110A>G, p.Ile2704Val (NM_001354897.2); c.8005A>G, p.Ile2669Val (NM_001354898.2); c.7996A>G, p.Ile2666Val (NM_001354899.2); c.7957A>G, p.Ile2653Val (NM_001354900.2); c.7903A>G, p.Ile2635Val (NM_001354901.2, NM_001407453.1); and 11 more; short protein forms I2534V, I2603V, I2669V, I2684V, I2593V, I2635V, I2676V, I2687V.
Identifiers: ClinVar variation 1761914 (VCV001761914.3), dbSNP rs779733163, ClinGen allele CA049844.